The following is an entry in ClinVar:

NM_007294.4(BRCA1):c.5467+6G>C

Gene: BRCA1 (BRCA1 DNA repair associated; minus strand). Cytogenetic location: 17q21.31.
Variant type: single nucleotide variant.
Coding change: c.5467+6G>C on transcript NM_007294.4 (MANE Select); 6 bases into the intron after coding-DNA position 5467, G replaced by C.
Molecular consequence: intron variant.
Genome position (GRCh38, 1-based): chr17:43,047,637, C>G on the plus strand (G>C on the coding strand, the complement: BRCA1 is on the minus strand). VCF-style: chr17-43047637-C-G. GRCh37 (hg19) VCF-style: chr17-41199654-C-G.
Other names: c.2077+6G>C (NM_001408412.1, NM_001408413.1, NM_001408416.1 and 2 more transcripts); c.5386+6G>C (NM_001407656.1, NM_001407657.1, NM_001407658.1); c.5389+6G>C (NM_001407654.1, NM_001407652.1, NM_001407653.1 and 1 more transcripts); c.1816+6G>C (NM_001408509.1); c.1819+6G>C (NM_001408508.1); c.1945+6G>C (NM_001408491.1, NM_001408481.1, NM_001408490.1 and 5 more transcripts); c.5251+6G>C (NM_001407918.1, NM_001407915.1, NM_001407916.1 and 1 more transcripts); c.5254+6G>C (NM_001407894.1, NM_001407909.1, NM_001407906.1 and 12 more transcripts); and 83 more.
Identifiers: ClinVar variation 867538 (VCV000867538.12), dbSNP rs2050974173, ClinGen allele CA916080767.

ClinVar aggregate classification (germline): Uncertain significance (1 of 4 stars; one submission).

Conditions:
Hereditary breast ovarian cancer syndrome. Also called: Hereditary breast and ovarian cancer; Hereditary breast and ovarian cancer syndrome (HBOC); Breast and ovarian cancer; Hereditary breast and/or ovarian cancer syndrome; BRCA1- and BRCA2-Associated Hereditary Breast and Ovarian Cancer; Hereditary breast and ovarian cancer syndrome. Identifiers: Orphanet 145, MedGen C0677776, MeSH D061325, MONDO:0003582. Disease mechanism: loss of function.

Allele frequency attached by ClinVar (database versions not stated): gnomAD exomes below 0.00001.
gnomAD v4.1: 1 of 1,614,160 alleles (0.000062%); highest among the groups gnomAD compares: Non-Finnish European, 0.000085%; no homozygotes.

Submissions (2):

Labcorp Genetics (formerly Invitae), Labcorp
Classification: Uncertain significance for Hereditary breast ovarian cancer syndrome. Last evaluated: 2020-10-16. Review status: criteria provided, single submitter. Criteria: Invitae Variant Classification Sherloc (09022015). Collection method: clinical testing. Allele origin: germline.
Comment: This sequence change falls in intron 22 of the BRCA1 gene. It does not directly change the encoded amino acid sequence of the BRCA1 protein, but it affects a nucleotide within the consensus splice site of the intron. This variant is not present in population databases (ExAC no frequency). This variant has not been reported in the literature in individuals with BRCA1-related conditions. ClinVar contains an entry for this variant (Variation ID: 867538). Nucleotide substitutions within the consensus splice site are a relatively common cause of aberrant splicing (PMID: 17576681, 9536098). Experimental studies have shown that this variant does not affect mRNA splicing (PMID: 30209399). In summary, the available evidence is currently insufficient to determine the role of this variant in disease. Therefore, it has been classified as a Variant of Uncertain Significance.

Brotman Baty Institute, University of Washington
No classification provided (evidence only). Condition: Breast-ovarian cancer, familial 1. Review status: no classification provided. Collection method: in vitro. Allele origin: not applicable. Functional consequence: functionally_normal. Not counted in ClinVar's aggregate classification.
ClinVar note: "not provided" was previously submitted as the classification for the variant. However, the classification appeared to be based only on an observation of functional data so it was converted to no classification on 2025-07-30.

Literature cited by the submitters: PubMed 17576681 (cited by Labcorp Genetics (formerly Invitae), Labcorp); PubMed 9536098 (cited by Labcorp Genetics (formerly Invitae), Labcorp); PubMed 30209399 (cited by Labcorp Genetics (formerly Invitae), Labcorp).